The following is an entry in ClinVar:

NM_003998.4(NFKB1):c.128dup (p.Tyr44fs)

Gene: NFKB1 (nuclear factor kappa B subunit 1; plus strand). Cytogenetic location: 4q24.
Variant type: Duplication.
Coding change: c.128dup on transcript NM_003998.4 (MANE Select); coding-DNA position 128, one base duplicated (C; older notation c.128dupC).
Protein change: p.Tyr44fs; shifts the reading frame from tyrosine 44.
Molecular consequence: frameshift variant.
Genome position (GRCh38, 1-based): chr4:102,533,854, C duplicated; the last of 3 consecutive C bases (chr4:102,533,852-102,533,854); duplicating any one gives the same sequence. VCF-style (leftmost placement, unchanged base first): chr4-102533851-G-GC. GRCh37 (hg19) VCF-style: chr4-103455008-G-GC.
Other names: c.125dup, p.Tyr43fs (NM_001165412.2, NM_001319226.2, NM_001382627.1); c.128dup, p.Tyr44fs (NM_001382625.1, NM_001382626.1); c.86dup, p.Tyr30fs (NM_001382628.1); short protein forms Y30fs, Y43fs, Y44fs.
Identifiers: ClinVar variation 2635285 (VCV002635285.1), dbSNP rs2476178924, ClinGen allele CA2695198501.

ClinVar aggregate classification (germline): Likely pathogenic (1 of 4 stars; one submission).

Conditions:
NFKB1-related disorder. Also called: NFKB1-related condition.

Submission:

PreventionGenetics, part of Exact Sciences
Classification: Likely pathogenic for NFKB1-related condition. Last evaluated: 2022-12-01. Review status: criteria provided, single submitter. Criteria: ACMG Guidelines, 2015. Collection method: clinical testing. Allele origin: germline.
Comment: The NFKB1 c.128dupC variant is predicted to result in a frameshift and premature protein termination (p.Tyr44Ilefs*9). To our knowledge, this variant has not been reported in the literature or in a large population database, indicating this variant is rare. Frameshift variants in NFKB1 are expected to be pathogenic. This variant is interpreted as likely pathogenic.